The following is an entry in ClinVar:

NM_001375765.1(GIGYF1):c.2113C>T (p.Arg705Ter)

Gene: GIGYF1 (GRB10 interacting GYF protein 1; minus strand). Cytogenetic location: 7q22.1.
Variant type: single nucleotide variant.
Coding change: c.2113C>T on transcript NM_001375765.1 (MANE Select); coding-DNA position 2113, C replaced by T.
Protein change: p.Arg705Ter; replaces arginine 705 with a stop codon.
Molecular consequence: nonsense. On other transcripts: non-coding transcript variant (1).
Genome position (GRCh38, 1-based): chr7:100,683,384, G>A on the plus strand (C>T on the coding strand, the complement: GIGYF1 is on the minus strand). VCF-style: chr7-100683384-G-A. GRCh37 (hg19) VCF-style: chr7-100281007-G-A.
Other names: c.2113C>T, p.Arg705Ter (NM_001375759.1, NM_001375760.1, NM_001375761.1 and 6 more transcripts); short protein forms R705*.
Identifiers: ClinVar variation 4532040 (VCV004532040.1).

ClinVar aggregate classification (germline): Pathogenic (1 of 4 stars; one submission).

Conditions:
Autism spectrum disorder. Also called: Autism spectrum disorders. Identifiers: MedGen C1510586, MeSH D000067877, MONDO:0005258.

gnomAD v4.1: 3 of 1,613,494 alleles (0.00019%); highest among the groups gnomAD compares: African/African-American, 0.0013%; no homozygotes.

Submission:

Victorian Clinical Genetics Services, Murdoch Childrens Research Institute
Classification: Pathogenic for Autism spectrum disorder. Last evaluated: 2025-05-01. Review status: criteria provided, single submitter. Criteria: ACMG Guidelines, 2015. Collection method: clinical testing. Allele origin: germline. Affected: yes.
Comment: This variant is classified as Pathogenic. Evidence in support of pathogenic classification: Variant is predicted to cause nonsense-mediated decay (NMD) and loss of protein (premature termination codon is located at least 54 nucleotides upstream of the final exon-exon junction); Variant is present in gnomAD <0.001 for a dominant condition (v4: 3 heterozygote(s), 0 homozygote(s)); Other NMD-predicted variant(s) comparable to the one identified in this case have very strong previous evidence for pathogenicity. Multiple individuals affected with GIGYF1-related phenotypes have been reported (DECIPHER, PMIDs: 33057194, 35917186). Additional information: This variant is heterozygous; This gene is associated with autosomal dominant disease; Previous evidence of pathogenicity for this variant is inconclusive. This variant has been reported once in an individual from a neurodevelopmental delay cohort; however, specific phenotypic information was not provided (PMID: 28191890); No published segregation evidence has been identified for this variant; No published functional evidence has been identified for this variant; Loss of function is a known mechanism of disease in this gene and is associated with autism spectrum disorder (MONDO:0005258), GIGYF1-related.

Literature cited by the submitters: PubMed 33057194; PubMed 35917186; PubMed 28191890.